The following is an entry in ClinVar:

ClinVar aggregate classification (germline): Uncertain significance. Review status: criteria provided, multiple submitters, no conflicts (2 of 4 stars). 2 submissions from 2 submitters: Uncertain significance (2). Last evaluated 2025-04-03.

Conditions:
Hereditary cancer-predisposing syndrome. Also called: Hereditary Cancer Syndrome; Neoplastic Syndromes, Hereditary; Hereditary neoplastic syndrome; Tumor predisposition. Identifiers: Orphanet 140162, MedGen C0027672, MeSH D009386, MONDO:0015356.
Hereditary diffuse gastric adenocarcinoma (HDGC). Also called: DIFFUSE GASTRIC AND LOBULAR BREAST CANCER SYNDROME. Identifiers: Orphanet 26106, MedGen C1708349, MONDO:0007648, OMIM 137215.

Submissions (2):

Ambry Genetics
Classification: Uncertain significance for Hereditary cancer-predisposing syndrome. Last evaluated: 2025-04-03. Review status: criteria provided, single submitter. Criteria: Ambry Variant Classification Scheme 2023. Collection method: clinical testing. Allele origin: germline.
Comment: The p.G540A variant (also known as c.1619G>C), located in coding exon 11 of the CDH1 gene, results from a G to C substitution at nucleotide position 1619. The glycine at codon 540 is replaced by alanine, an amino acid with similar properties. This amino acid position is conserved. In addition, this alteration is predicted to be deleterious by in silico analysis. Based on the available evidence, the clinical significance of this variant remains unclear.

Labcorp Genetics (formerly Invitae), Labcorp
Classification: Uncertain significance for Hereditary diffuse gastric adenocarcinoma. Last evaluated: 2022-06-13. Review status: criteria provided, single submitter. Criteria: Invitae Variant Classification Sherloc (09022015). Collection method: clinical testing. Allele origin: germline.
Comment: In summary, the available evidence is currently insufficient to determine the role of this variant in disease. Therefore, it has been classified as a Variant of Uncertain Significance. Algorithms developed to predict the effect of missense changes on protein structure and function (SIFT, PolyPhen-2, Align-GVGD) all suggest that this variant is likely to be disruptive. This variant has not been reported in the literature in individuals affected with CDH1-related conditions. This variant is not present in population databases (gnomAD no frequency). This sequence change replaces glycine, which is neutral and non-polar, with alanine, which is neutral and non-polar, at codon 540 of the CDH1 protein (p.Gly540Ala).

NM_004360.5(CDH1):c.1619G>C (p.Gly540Ala)

Gene: CDH1 (cadherin 1; plus strand). Cytogenetic location: 16q22.1.
Variant type: single nucleotide variant.
Coding change: c.1619G>C on transcript NM_004360.5 (MANE Select); coding-DNA position 1619, G replaced by C.
Protein change: p.Gly540Ala; replaces glycine 540 with alanine.
Molecular consequence: missense variant. On other transcripts: intron variant (1).
Genome position (GRCh38, 1-based): chr16:68,819,333, G>C. VCF-style: chr16-68819333-G-C. GRCh37 (hg19) VCF-style: chr16-68853236-G-C.
Other names: c.1436G>C, p.Gly479Ala (NM_001317184.2); c.71G>C, p.Gly24Ala (NM_001317185.2); c.-254-2668G>C (NM_001317186.2); short protein forms G24A, G479A, G540A.
Identifiers: ClinVar variation 2127315 (VCV002127315.5), dbSNP rs2152136843, ClinGen allele CA396465095.